The following is an entry in ClinVar:

NM_001036.6(RYR3):c.571A>G (p.Ile191Val)

Gene: RYR3 (ryanodine receptor 3; plus strand). Cytogenetic location: 15q14.
Variant type: single nucleotide variant.
Coding change: c.571A>G on transcript NM_001036.6 (MANE Select); coding-DNA position 571, A replaced by G.
Protein change: p.Ile191Val; replaces isoleucine 191 with valine.
Molecular consequence: missense variant.
Genome position (GRCh38, 1-based): chr15:33,540,815, A>G. VCF-style: chr15-33540815-A-G. GRCh37 (hg19) VCF-style: chr15-33833016-A-G.
Other names: c.571A>G, p.Ile191Val (NM_001243996.4); short protein forms I191V.
Identifiers: ClinVar variation 1054339 (VCV001054339.9), dbSNP rs2141149139, ClinGen allele CA391561145.

ClinVar aggregate classification (germline): Uncertain significance (1 of 4 stars; one submission).

Conditions:
Epileptic encephalopathy. Identifiers: MedGen C0543888, HP:0200134.

Allele frequency attached by ClinVar (database versions not stated): gnomAD exomes below 0.00001.
gnomAD v4.1: 1 of 1,611,420 alleles (0.000062%); highest among the groups gnomAD compares: South Asian, 0.0011%; no homozygotes.

Submission:

Labcorp Genetics (formerly Invitae), Labcorp
Classification: Uncertain significance for Epileptic encephalopathy. Last evaluated: 2025-08-11. Review status: criteria provided, single submitter. Criteria: Invitae Variant Classification Sherloc (09022015). Collection method: clinical testing. Allele origin: germline.
Comment: This sequence change replaces isoleucine, which is neutral and non-polar, with valine, which is neutral and non-polar, at codon 191 of the RYR3 protein (p.Ile191Val). This variant is not present in population databases (gnomAD no frequency). This variant has not been reported in the literature in individuals affected with RYR3-related conditions. ClinVar contains an entry for this variant (Variation ID: 1054339). An algorithm developed to predict the effect of missense changes on protein structure and function (PolyPhen-2) suggests that this variant is likely to be tolerated. In summary, the available evidence is currently insufficient to determine the role of this variant in disease. Therefore, it has been classified as a Variant of Uncertain Significance.